The following is an entry in ClinVar:

ClinVar aggregate classification (germline): Uncertain significance (1 of 4 stars; one submission).

Allele frequency attached by ClinVar (database versions not stated): TOPMed below 0.00001.

Submission:

Labcorp Genetics (formerly Invitae), Labcorp
Classification: Uncertain significance. Last evaluated: 2021-07-08. Review status: criteria provided, single submitter. Criteria: Invitae Variant Classification Sherloc (09022015). Collection method: clinical testing. Allele origin: germline.
Comment: In summary, the available evidence is currently insufficient to determine the role of this variant in disease. Therefore, it has been classified as a Variant of Uncertain Significance. This variant has not been reported in the literature in individuals affected with CYP51A1-related conditions. This variant is not present in population databases (ExAC no frequency). This sequence change creates a premature translational stop signal (p.Met386*) in the CYP51A1 gene. It is expected to result in an absent or disrupted protein product. However, the current clinical and genetic evidence is not sufficient to establish whether loss-of-function variants in CYP51A1 cause disease.

NM_000786.4(CYP51A1):c.1156del (p.Ile385_Met386insTer)

Gene: CYP51A1 (cytochrome P450 family 51 subfamily A member 1; minus strand). Cytogenetic location: 7q21.2.
Variant type: Deletion.
Coding change: c.1156del on transcript NM_000786.4 (MANE Select); coding-DNA position 1156, one base deleted (A; older notation c.1156delA).
Protein change: p.Ile385_Met386insTer.
Molecular consequence: nonsense.
Genome position (GRCh38, 1-based): chr7:92,118,546, T deleted on the plus strand (A on the coding strand, the reverse complement: CYP51A1 is on the minus strand). VCF-style (leftmost placement, unchanged base first): chr7-92118545-AT-A. GRCh37 (hg19) VCF-style: chr7-91747859-AT-A.
Other names: c.841del, p.Ile280_Met281insTer (NM_001146152.2).
Identifiers: ClinVar variation 1362204 (VCV001362204.6), dbSNP rs1263828467, ClinGen allele CA843822243.